The following is an entry in ClinVar:

NM_170682.4(P2RX2):c.415G>A (p.Asp139Asn)

Gene: P2RX2 (purinergic receptor P2X 2; plus strand). Cytogenetic location: 12q24.33.
Variant type: single nucleotide variant.
Coding change: c.415G>A on transcript NM_170682.4 (MANE Select); coding-DNA position 415, G replaced by A.
Protein change: p.Asp139Asn; replaces aspartic acid 139 with asparagine.
Molecular consequence: missense variant. On other transcripts: intron variant (1).
Genome position (GRCh38, 1-based): chr12:132,619,877, G>A. VCF-style: chr12-132619877-G-A. GRCh37 (hg19) VCF-style: chr12-133196463-G-A.
Other names: c.343G>A, p.Asp115Asn (NM_001282164.2, NM_016318.4); c.415G>A, p.Asp139Asn (NM_001282165.2, NM_170683.4, NM_174873.3); c.139G>A, p.Asp47Asn (NM_174872.3); c.242-123G>A (NM_012226.5); short protein forms D115N, D139N, D47N.
Identifiers: ClinVar variation 1711915 (VCV001711915.2), dbSNP rs767148641, ClinGen allele CA6891489.

ClinVar aggregate classification (germline): Uncertain significance (1 of 4 stars; one submission).

Allele frequency attached by ClinVar (database versions not stated): gnomAD exomes below 0.00001; ExAC 0.00001.
gnomAD v4.1: 2 of 1,610,534 alleles (0.00012%); highest among the groups gnomAD compares: East Asian, 0.0022%; no homozygotes.

Submission:

GeneDx
Classification: Uncertain significance. Last evaluated: 2022-04-19. Review status: criteria provided, single submitter. Criteria: GeneDx Variant Classification Process June 2021. Collection method: clinical testing. Allele origin: germline. Affected: yes.
Comment: Not observed at significant frequency in large population cohorts (gnomAD); In silico analysis supports that this missense variant has a deleterious effect on protein structure/function; Has not been previously published as pathogenic or benign to our knowledge